The following is an entry in ClinVar:

ClinVar aggregate classification (germline): Uncertain significance (1 of 4 stars; one submission).

Submission:

Labcorp Genetics (formerly Invitae), Labcorp
Classification: Uncertain significance. Last evaluated: 2019-12-26. Review status: criteria provided, single submitter. Criteria: Invitae Variant Classification Sherloc (09022015). Collection method: clinical testing. Allele origin: germline.
Comment: In summary, the available evidence is currently insufficient to determine the role of this variant in disease. Therefore, it has been classified as a Variant of Uncertain Significance. Algorithms developed to predict the effect of missense changes on protein structure and function are either unavailable or do not agree on the potential impact of this missense change (SIFT: "Deleterious"; PolyPhen-2: "Probably Damaging"; Align-GVGD: "Class C0"). This variant has not been reported in the literature in individuals with RECQL-related conditions. This variant is not present in population databases (ExAC no frequency). This sequence change replaces alanine with threonine at codon 405 of the RECQL protein (p.Ala405Thr). The alanine residue is highly conserved and there is a small physicochemical difference between alanine and threonine.

NM_002907.4(RECQL):c.1213G>A (p.Ala405Thr)

Gene: RECQL (RecQ like helicase; minus strand). Cytogenetic location: 12p12.1.
Variant type: single nucleotide variant.
Coding change: c.1213G>A on transcript NM_002907.4 (MANE Select); coding-DNA position 1213, G replaced by A.
Protein change: p.Ala405Thr; replaces alanine 405 with threonine.
Molecular consequence: missense variant.
Genome position (GRCh38, 1-based): chr12:21,475,471, C>T on the plus strand (G>A on the coding strand, the complement: RECQL is on the minus strand). VCF-style: chr12-21475471-C-T. GRCh37 (hg19) VCF-style: chr12-21628405-C-T.
Other names: c.1213G>A, p.Ala405Thr (NM_032941.3); short protein forms A405T.
Identifiers: ClinVar variation 836946 (VCV000836946.10), dbSNP rs1943066344, ClinGen allele CA384119128.
Genomic context (GRCh38, chr12:21,475,471, plus strand): 5'-ATGTATTTTTTGGAAAAGCTTTCTAAAAATTTACTTCTGGATTTGAGTCCTACATACCTG[C>T]ACGTCCACTCTCTTGGTAATAATTTTCCATGGATTTACTCATTGAATGATGGATAACAAA-3'
Protein context (NP_002898.2, residues 395-415): MENYYQESGR[Ala405Thr]GRDDMKADCI